The following is an entry in ClinVar:

NM_024666.5(AAGAB):c.274C>G (p.Leu92Val)

Gene: AAGAB (alpha and gamma adaptin binding protein; minus strand). Cytogenetic location: 15q23.
Variant type: single nucleotide variant.
Coding change: c.274C>G on transcript NM_024666.5 (MANE Select); coding-DNA position 274, C replaced by G.
Protein change: p.Leu92Val; replaces leucine 92 with valine.
Molecular consequence: missense variant. On other transcripts: 5 prime UTR variant (2).
Genome position (GRCh38, 1-based): chr15:67,236,495, G>C on the plus strand (C>G on the coding strand, the complement: AAGAB is on the minus strand). VCF-style: chr15-67236495-G-C. GRCh37 (hg19) VCF-style: chr15-67528833-G-C.
Other names: c.-54C>G (NM_001271885.2, NM_001271886.2); short protein forms L92V.
Identifiers: ClinVar variation 3332030 (VCV003332030.2).
Genomic context (GRCh38, chr15:67,236,495, plus strand): 5'-AGATCATCACCTCAGGTAACCATGCTTTTGCCAGTGGAAGCCATGAGGAGACACTATCAA[G>C]GCCCGATTTCTAGAGGGAACAAAAAATATAAACAAACAAAAACAGAAAAGAGATAGTCAG-3'
Protein context (NP_078942.3, residues 82-102): VYFDSTQKSG[Leu92Val]DSVSSWLPLA

ClinVar aggregate classification (germline): Uncertain significance. Review status: criteria provided, multiple submitters, no conflicts (2 of 4 stars). 2 submissions from 2 submitters: Uncertain significance (2). Last evaluated 2025-12-22.

Submissions (2):

Labcorp Genetics (formerly Invitae), Labcorp
Classification: Uncertain significance. Last evaluated: 2025-12-22. Review status: criteria provided, single submitter. Criteria: Invitae Variant Classification Sherloc (09022015). Collection method: clinical testing. Allele origin: germline.
Comment: This sequence change replaces leucine, which is neutral and non-polar, with valine, which is neutral and non-polar, at codon 92 of the AAGAB protein (p.Leu92Val). This variant is present in population databases (rs755386550, gnomAD 0.008%). This variant has not been reported in the literature in individuals affected with AAGAB-related conditions. ClinVar contains an entry for this variant (Variation ID: 3332030). An algorithm developed to predict the effect of missense changes on protein structure and function (PolyPhen-2) suggests that this variant is likely to be disruptive. In summary, the available evidence is currently insufficient to determine the role of this variant in disease. Therefore, it has been classified as a Variant of Uncertain Significance.

Ambry Genetics
Classification: Uncertain significance. Last evaluated: 2024-05-30. Review status: criteria provided, single submitter. Criteria: Ambry Variant Classification Scheme 2023. Collection method: clinical testing. Allele origin: germline.